The following is an entry in ClinVar:

NM_032830.3(UTP4):c.1249C>T (p.Arg417Trp)

Gene: UTP4 (UTP4 small subunit processome component). Cytogenetic location: 16q22.1.
Variant type: single nucleotide variant.
Coding change: c.1249C>T on transcript NM_032830.3 (MANE Select); coding-DNA position 1249, C replaced by T.
Protein change: p.Arg417Trp; replaces arginine 417 with tryptophan.
Molecular consequence: missense variant.
Genome position (GRCh38, 1-based): chr16:69,155,955, C>T. VCF-style: chr16-69155955-C-T. GRCh37 (hg19) VCF-style: chr16-69189858-C-T.
Other names: c.1000C>T, p.Arg334Trp (NM_001318391.2); short protein forms R417W, R334W.
Identifiers: ClinVar variation 885209 (VCV000885209.5), dbSNP rs772154514, ClinGen allele CA8132357.

ClinVar aggregate classification (germline): Uncertain significance. Review status: criteria provided, multiple submitters, no conflicts (2 of 4 stars). 2 submissions from 2 submitters: Uncertain significance (2). Last evaluated 2025-05-22.

Conditions:
Hereditary North American Indian childhood cirrhosis. Identifiers: Orphanet 168583, MedGen C1858051, MONDO:0011497, OMIM 604901.

Allele frequency attached by ClinVar (database versions not stated): gnomAD 0.00001; gnomAD exomes 0.00001; ExAC 0.00002.
gnomAD v4.1: 9 of 1,613,876 alleles (0.00056%); highest among the groups gnomAD compares: East Asian, 0.0067%; no homozygotes.

Submissions (2):

Labcorp Genetics (formerly Invitae), Labcorp
Classification: Uncertain significance. Last evaluated: 2025-05-22. Review status: criteria provided, single submitter. Criteria: Invitae Variant Classification Sherloc (09022015). Collection method: clinical testing. Allele origin: germline.
Comment: This sequence change replaces arginine, which is basic and polar, with tryptophan, which is neutral and slightly polar, at codon 417 of the UTP4 protein (p.Arg417Trp). This variant is present in population databases (rs772154514, gnomAD 0.006%). This variant has not been reported in the literature in individuals affected with UTP4-related conditions. ClinVar contains an entry for this variant (Variation ID: 885209). Invitae Evidence Modeling of protein sequence and biophysical properties (such as structural, functional, and spatial information, amino acid conservation, physicochemical variation, residue mobility, and thermodynamic stability) indicates that this missense variant is not expected to disrupt UTP4 protein function with a negative predictive value of 80%. Algorithms developed to predict the effect of sequence changes on RNA splicing suggest that this variant may disrupt the consensus splice site. In summary, the available evidence is currently insufficient to determine the role of this variant in disease. Therefore, it has been classified as a Variant of Uncertain Significance.

Illumina Laboratory Services, Illumina
Classification: Uncertain significance for Hereditary North American Indian childhood cirrhosis. Last evaluated: 2018-01-13. Review status: criteria provided, single submitter. Criteria: ICSL Variant Classification Criteria 13 December 2019. Collection method: clinical testing. Allele origin: germline.